The following is an entry in ClinVar:

ClinVar aggregate classification (germline): Benign/Likely benign. Review status: criteria provided, multiple submitters, no conflicts (2 of 4 stars). 11 submissions from 10 submitters: Benign (4); Likely benign (7). Last evaluated 2026-06-18.

Conditions:
Polyps, multiple and recurrent inflammatory fibroid, gastrointestinal. Identifiers: MedGen C5193005, MONDO:0008285, OMIM 175510.
Hereditary cancer-predisposing syndrome. Also called: Tumor predisposition; Hereditary Cancer Syndrome; Neoplastic Syndromes, Hereditary; Hereditary neoplastic syndrome. Identifiers: Orphanet 140162, MedGen C0027672, MeSH D009386, MONDO:0015356.
Idiopathic hypereosinophilic syndrome (HES). Identifiers: Orphanet 3260, MedGen C0206141, MONDO:0011895, OMIM 607685. Disease mechanism: gain of function.
Gastrointestinal stromal tumor. Also called: Gastrointestinal stromal tumor, somatic; Gastrointestinal stroma tumor. Identifiers: Orphanet 44890, MedGen C0238198, MeSH D046152, MONDO:0011719, OMIM 606764, HP:0100723.

Allele frequency attached by ClinVar (database versions not stated): 1000 Genomes Project 30x 0.00047; 1000 Genomes Project 0.00060; gnomAD 0.00064; ESP Exome Variant Server 0.00077; gnomAD exomes 0.00078; ExAC 0.00082; TOPMed 0.00088.
gnomAD v4.1: 1,872 of 1,614,056 alleles (0.12%); highest among the groups gnomAD compares: Non-Finnish European, 0.13%; 2 homozygotes.

Submissions (11):

Myriad Genetics, Inc.
Classification: Benign for Polyps, multiple and recurrent inflammatory fibroid, gastrointestinal. Last evaluated: 2026-06-18. Review status: criteria provided, single submitter. Criteria: Myriad Autosomal Dominant, Autosomal Recessive and X-Linked Classification Criteria (2023). Collection method: clinical testing. Allele origin: unknown.
Comment: This variant is considered benign. This variant is a silent/synonymous amino acid change and it is not expected to impact splicing.

Labcorp Genetics (formerly Invitae), Labcorp
Classification: Benign for Gastrointestinal stromal tumor. Last evaluated: 2026-02-04. Review status: criteria provided, single submitter. Criteria: Invitae Variant Classification Sherloc (09022015). Collection method: clinical testing. Allele origin: germline.

CeGaT Center for Human Genetics Tuebingen
Classification: Likely benign. Last evaluated: 2025-11-01. Review status: criteria provided, single submitter. Criteria: CeGaT Center For Human Genetics Tuebingen Variant Classification Criteria Version 2. Collection method: clinical testing. Allele origin: germline. Affected: yes. Observed: 17 variant alleles.
Comment: PDGFRA: BP4, BP7

ARUP Laboratories, Molecular Genetics and Genomics, ARUP Laboratories
Classification: Likely benign. Last evaluated: 2025-03-18. Review status: criteria provided, single submitter. Criteria: ARUP Molecular Germline Variant Investigation Process 2024. Collection method: clinical testing. Allele origin: germline.

Laboratory of Genetics, Children's Clinical University Hospital Latvia
Classification: Benign. Last evaluated: 2025-02-16. Review status: criteria provided, single submitter. Criteria: ACMG Guidelines, 2015. Collection method: clinical testing. Allele origin: germline. Affected: yes.

Blueprint Genetics
Classification: Likely benign. Last evaluated: 2024-11-13. Review status: criteria provided, single submitter. Criteria: ACMG Guidelines, 2015. Collection method: clinical testing. Allele origin: germline.

Sema4
Classification: Likely benign for Hereditary cancer-predisposing syndrome. Last evaluated: 2021-05-31. Review status: criteria provided, single submitter. Criteria: Sema4 Curation Guidelines. Collection method: curation. Allele origin: germline.

GeneDx
Classification: Likely benign. Last evaluated: 2021-04-20. Review status: criteria provided, single submitter. Criteria: GeneDx Variant Classification Process June 2021. Collection method: clinical testing. Allele origin: germline. Affected: yes.

Ambry Genetics
Classification: Likely benign for Hereditary cancer-predisposing syndrome. Last evaluated: 2018-10-09. Review status: criteria provided, single submitter. Criteria: Ambry Variant Classification Scheme 2023. Collection method: clinical testing. Allele origin: germline.

Illumina Laboratory Services, Illumina
Classification: Likely benign for Gastrointestinal stromal tumor. Last evaluated: 2018-01-13. Review status: criteria provided, single submitter. Criteria: ICSL Variant Classification Criteria 13 December 2019. Collection method: clinical testing. Allele origin: germline.
Comment: This variant was observed in the ICSL laboratory as part of a predisposition screen in an ostensibly healthy population. It had not been previously curated by ICSL or reported in the Human Gene Mutation Database (HGMD: prior to June 1st, 2018), and was therefore a candidate for classification through an automated scoring system. Utilizing variant allele frequency, disease prevalence and penetrance estimates, and inheritance mode, an automated score was calculated to assess if this variant is too frequent to cause the disease. Based on the score and internal cut-off values, a variant classified as likely benign is not then subjected to further curation. The score for this variant resulted in a classification of likely benign for this disease.

Illumina Laboratory Services, Illumina
Classification: Benign for Idiopathic hypereosinophilic syndrome. Last evaluated: 2018-01-13. Review status: criteria provided, single submitter. Criteria: ICSL Variant Classification Criteria 13 December 2019. Collection method: clinical testing. Allele origin: germline.
Comment: This variant was observed in the ICSL laboratory as part of a predisposition screen in an ostensibly healthy population. It had not been previously curated by ICSL or reported in the Human Gene Mutation Database (HGMD: prior to June 1st, 2018), and was therefore a candidate for classification through an automated scoring system. Utilizing variant allele frequency, disease prevalence and penetrance estimates, and inheritance mode, an automated score was calculated to assess if this variant is too frequent to cause the disease. Based on the score and internal cut-off values, a variant classified as benign is not then subjected to further curation. The score for this variant resulted in a classification of benign for this disease.

NM_006206.6(PDGFRA):c.3156G>A (p.Thr1052=)

Gene: PDGFRA (platelet derived growth factor receptor alpha; plus strand). Cytogenetic location: 4q12.
Variant type: single nucleotide variant.
Coding change: c.3156G>A on transcript NM_006206.6 (MANE Select); coding-DNA position 3156, G replaced by A.
Protein change: p.Thr1052=; no amino-acid change (threonine 1052 retained).
Molecular consequence: synonymous variant.
Genome position (GRCh38, 1-based): chr4:54,295,158, G>A. VCF-style: chr4-54295158-G-A. GRCh37 (hg19) VCF-style: chr4-55161325-G-A.
Other names: c.3231G>A, p.Thr1077= (NM_001347828.2); c.3156G>A, p.Thr1052= (NM_001347829.2); c.3195G>A, p.Thr1065= (NM_001347830.2).
Identifiers: ClinVar variation 240343 (VCV000240343.51), dbSNP rs55996208, ClinGen allele CA2923049.